The following is an entry in ClinVar:

NM_000179.3(MSH6):c.683A>T (p.Glu228Val)

Gene: MSH6 (mutS homolog 6; plus strand). Cytogenetic location: 2p16.3.
Variant type: single nucleotide variant.
Coding change: c.683A>T on transcript NM_000179.3 (MANE Select); coding-DNA position 683, A replaced by T.
Protein change: p.Glu228Val; replaces glutamic acid 228 with valine.
Molecular consequence: missense variant. On other transcripts: 5 prime UTR variant (2).
Genome position (GRCh38, 1-based): chr2:47,798,666, A>T. VCF-style: chr2-47798666-A-T. GRCh37 (hg19) VCF-style: chr2-48025805-A-T.
Other names: c.293A>T, p.Glu98Val (NM_001281492.2); c.-224A>T (NM_001281493.2, NM_001281494.2, NM_001406811.1 and 6 more transcripts); c.779A>T, p.Glu260Val (NM_001406795.1, NM_001406802.1); c.683A>T, p.Glu228Val (NM_001406796.1, NM_001406798.1, NM_001406800.1 and 4 more transcripts); c.386A>T, p.Glu129Val (NM_001406797.1, NM_001406801.1, NM_001406805.1 and 10 more transcripts); c.158A>T, p.Glu53Val (NM_001406799.1, NM_001406806.1, NM_001406807.1); c.605A>T, p.Glu202Val (NM_001406804.1); c.689A>T, p.Glu230Val (NM_001406813.1); and 1 more; short protein forms E129V, E172V, E202V, E228V, E230V, E260V, E53V, E98V.
Identifiers: ClinVar variation 2431623 (VCV002431623.1), dbSNP rs2104290876, ClinGen allele CA346739896.

ClinVar aggregate classification (germline): Uncertain significance (1 of 4 stars; one submission).

Conditions:
Lynch syndrome 5 (LYNCH5). Also called: Colorectal cancer, hereditary nonpolyposis, type 5; Hereditary non-polyposis colorectal cancer, type 5. Identifiers: Orphanet 144, MedGen C1833477, MONDO:0013710, OMIM 614350. Disease mechanism: loss of function.

Allele frequency attached by ClinVar (database versions not stated): gnomAD exomes below 0.00001.

Submission:

Laboratorio de Genetica e Diagnostico Molecular, Hospital Israelita Albert Einstein
Classification: Uncertain significance for Lynch syndrome 5. Last evaluated: 2023-02-12. Review status: criteria provided, single submitter. Criteria: ACMG Guidelines, 2015. Collection method: clinical testing. Allele origin: germline. Affected: yes. Observed: 1 variant allele.
Comment: ACMG classification criteria: PM2 moderated, BP4 supporting